The following is an entry in ClinVar:

ClinVar aggregate classification (germline): Conflicting classifications of pathogenicity. Review status: criteria provided, conflicting classifications (1 of 4 stars). 7 submissions from 7 submitters: Likely pathogenic (1); Uncertain significance (6). Last evaluated 2026-05-11.

Conditions:
Retinal dystrophy. Also called: Inherited retinal dystrophy. Identifiers: Orphanet 71862, MedGen C0854723, MeSH D058499, MONDO:0019118, HP:0000556.
IMPG2-related disorder. Also called: IMPG2-related condition.
Retinitis pigmentosa 56 (RP56). Identifiers: Orphanet 791, MedGen C3150819, MONDO:0013314, OMIM 613581.
Vitelliform macular dystrophy 5. Identifiers: Orphanet 99000, MedGen C4015343, MONDO:0014509, OMIM 616152.
Retinitis pigmentosa (RP). Identifiers: Orphanet 791, MedGen C0035334, MeSH D012174, MONDO:0019200, OMIM 268000. Inheritance: Autosomal dominant, autosomal recessive and X linked inheritance.

Allele frequency attached by ClinVar (database versions not stated): ExAC 0.00009; gnomAD exomes 0.00011 and 0.00032; gnomAD 0.00015; TOPMed 0.00018; ESP Exome Variant Server 0.00023.
gnomAD v4.1: 476 of 1,613,866 alleles (0.029%); highest among the groups gnomAD compares: Non-Finnish European, 0.039%; no homozygotes.

Submissions (7):

PreventionGenetics, part of Exact Sciences
Classification: Uncertain significance for IMPG2-related condition. Last evaluated: 2026-05-11. Review status: criteria provided, single submitter. Criteria: ACMG Guidelines, 2015. Collection method: clinical testing. Allele origin: germline.
Comment: The IMPG2 c.745C>T variant is predicted to result in the amino acid substitution p.Leu249Phe. This variant has been reported in the absence of a second IMPG2 variant in individuals with retinal disease (Table S1, Stone et al. 2017. PubMed ID: 28559085; Yuan et al. 2025. PubMed ID: 39858590) and along with a loss of function IMPG2 variant in an individual with retinal disease (Table S2, Weisschuh et al. 2020. PubMed ID: 32531858). This variant is present in 0.022% of alleles in individuals of European (Non-Finnish) descent in gnomAD. At this time, the clinical significance of this variant is uncertain due to the absence of conclusive functional and genetic evidence.

Labcorp Genetics (formerly Invitae), Labcorp
Classification: Likely pathogenic. Last evaluated: 2026-01-26. Review status: criteria provided, single submitter. Criteria: Invitae Variant Classification Sherloc (09022015). Collection method: clinical testing. Allele origin: germline.
Comment: This sequence change replaces leucine, which is neutral and non-polar, with phenylalanine, which is neutral and non-polar, at codon 249 of the IMPG2 protein (p.Leu249Phe). This variant is present in population databases (rs376443291, gnomAD 0.02%). This missense change has been observed in individual(s) with clinical features of IMPG2-related conditions (PMID: 28559085, 32531858, 39858590; internal data). In at least one individual the data is consistent with being in trans (on the opposite chromosome) from a pathogenic variant. ClinVar contains an entry for this variant (Variation ID: 902880). Invitae Evidence Modeling of protein sequence and biophysical properties (such as structural, functional, and spatial information, amino acid conservation, physicochemical variation, residue mobility, and thermodynamic stability) indicates that this missense variant is expected to disrupt IMPG2 protein function with a positive predictive value of 80%. In summary, the currently available evidence indicates that the variant is pathogenic, but additional data are needed to prove that conclusively. Therefore, this variant has been classified as Likely Pathogenic.

GeneDx
Classification: Uncertain significance. Last evaluated: 2024-12-02. Review status: criteria provided, single submitter. Criteria: GeneDx Variant Classification Process June 2021. Collection method: clinical testing. Allele origin: germline. Affected: yes.
Comment: Identified in the heterozygous state and with a second IMPG2 variant (phase unknown) in two unrelated patients with retinal disease (PMID: 28559085, 32531858); In silico analysis supports that this missense variant has a deleterious effect on protein structure/function; This variant is associated with the following publications: (PMID: 28559085, 32531858)

Blueprint Genetics
Classification: Uncertain significance. Last evaluated: 2024-08-29. Review status: criteria provided, single submitter. Criteria: ACMG Guidelines, 2015. Collection method: clinical testing. Allele origin: germline.

Institute of Human Genetics, Univ. Regensburg, Univ. Regensburg
Classification: Uncertain significance for Retinal dystrophy. Last evaluated: 2023-01-01. Review status: criteria provided, single submitter. Criteria: ACMG Guidelines, 2015. Collection method: clinical testing. Allele origin: germline. Affected: yes.

Fulgent Genetics
Classification: Uncertain significance for Retinitis pigmentosa 56; Vitelliform macular dystrophy 5. Last evaluated: 2022-02-24. Review status: criteria provided, single submitter. Criteria: ACMG Guidelines, 2015. Collection method: clinical testing. Allele origin: unknown.

Illumina Laboratory Services, Illumina
Classification: Uncertain significance for Retinitis pigmentosa. Last evaluated: 2018-01-12. Review status: criteria provided, single submitter. Criteria: ICSL Variant Classification Criteria 13 December 2019. Collection method: clinical testing. Allele origin: germline.

Literature cited by the submitters: PubMed 28559085 (cited by Labcorp Genetics (formerly Invitae), Labcorp and Institute of Human Genetics, Univ. Regensburg, Univ. Regensburg); PubMed 32531858 (cited by Labcorp Genetics (formerly Invitae), Labcorp); PubMed 39858590 (cited by Labcorp Genetics (formerly Invitae), Labcorp); PubMed 3253185 (cited by Institute of Human Genetics, Univ. Regensburg, Univ. Regensburg).

NM_016247.4(IMPG2):c.745C>T (p.Leu249Phe)

Gene: IMPG2 (interphotoreceptor matrix proteoglycan 2; minus strand). Cytogenetic location: 3q12.3.
Variant type: single nucleotide variant.
Coding change: c.745C>T on transcript NM_016247.4 (MANE Select); coding-DNA position 745, C replaced by T.
Protein change: p.Leu249Phe; replaces leucine 249 with phenylalanine.
Molecular consequence: missense variant.
Genome position (GRCh38, 1-based): chr3:101,273,664, G>A on the plus strand (C>T on the coding strand, the complement: IMPG2 is on the minus strand). VCF-style: chr3-101273664-G-A. GRCh37 (hg19) VCF-style: chr3-100992508-G-A.
Other names: short protein forms L249F.
Identifiers: ClinVar variation 902880 (VCV000902880.16), dbSNP rs376443291, ClinGen allele CA2519391.